The following is an entry in ClinVar:

NM_000532.5(PCCB):c.1301C>T (p.Ala434Val)

Gene: PCCB (propionyl-CoA carboxylase subunit beta; plus strand). Cytogenetic location: 3q22.3.
Variant type: single nucleotide variant.
Coding change: c.1301C>T on transcript NM_000532.5 (MANE Select); coding-DNA position 1301, C replaced by T.
Protein change: p.Ala434Val; replaces alanine 434 with valine.
Molecular consequence: missense variant.
Genome position (GRCh38, 1-based): chr3:136,327,635, C>T. VCF-style: chr3-136327635-C-T. GRCh37 (hg19) VCF-style: chr3-136046477-C-T.
Other names: c.1361C>T, p.Ala454Val (NM_001178014.2); short protein forms A434V, A454V.
Identifiers: ClinVar variation 554490 (VCV000554490.15), dbSNP rs751538672, ClinGen allele CA2632146.

ClinVar aggregate classification (germline): Pathogenic. Review status: criteria provided, multiple submitters, no conflicts (2 of 4 stars). 5 submissions from 5 submitters: Pathogenic (4). 1 of the submissions does not count toward it. Last evaluated 2025-08-30.

Conditions:
Propionic acidemia (PROP). Also called: GLYCINEMIA, KETOTIC; HYPERGLYCINEMIA WITH KETOACIDOSIS AND LEUKOPENIA; KETOTIC HYPERGLYCINEMIA. Identifiers: Orphanet 35, MedGen C0268579, MONDO:0011628, OMIM 606054, HP:0003571.

Allele frequency attached by ClinVar (database versions not stated): gnomAD exomes below 0.00001 and 0.00002; gnomAD 0.00001; TOPMed 0.00001; ExAC 0.00002.
gnomAD v4.1: 6 of 1,609,790 alleles (0.00037%); highest among the groups gnomAD compares: East Asian, 0.013%; no homozygotes.

Submissions (5):

Natera, Inc.
Classification: Pathogenic for Propionic acidemia. Last evaluated: 2025-08-30. Review status: criteria provided, single submitter. Criteria: Natera Variant Classification Schema (03/2026). Collection method: clinical testing. Allele origin: germline.
Comment: The c.1301C>T variant in PCCB is a missense variant predicted to cause substitution of alanine to valine at amino acid 434. This variant is rare in the general population with a frequency below the threshold expected for the associated phenotype(s). This variant has been observed in one or more individuals affected with the associated recessive disease, as either homozygous or compound heterozygous with a second variant (PMID: 24863100, 30904546, 37689673). This variant has been identified in one or more affected individuals with a phenotype highly consistent with the associated gene (PMID: 24863100, 30904546, 37689673). Computational prediction algorithms indicate this variant is likely to affect gene or protein function. Given the available evidence, this variant is classified as Pathogenic.

Labcorp Genetics (formerly Invitae), Labcorp
Classification: Pathogenic for Propionic acidemia. Last evaluated: 2024-04-22. Review status: criteria provided, single submitter. Criteria: Invitae Variant Classification Sherloc (09022015). Collection method: clinical testing. Allele origin: germline.
Comment: This sequence change replaces alanine, which is neutral and non-polar, with valine, which is neutral and non-polar, at codon 434 of the PCCB protein (p.Ala434Val). The frequency data for this variant in the population databases is considered unreliable, as metrics indicate poor data quality at this position in the gnomAD database. This missense change has been observed in individual(s) with propionic acidemia (PMID: 24863100). In at least one individual the data is consistent with being in trans (on the opposite chromosome) from a pathogenic variant. ClinVar contains an entry for this variant (Variation ID: 554490). An algorithm developed to predict the effect of missense changes on protein structure and function (PolyPhen-2) suggests that this variant is likely to be disruptive. For these reasons, this variant has been classified as Pathogenic.

Baylor Genetics
Classification: Pathogenic for Propionic acidemia. Last evaluated: 2024-02-08. Review status: criteria provided, single submitter. Criteria: ACMG Guidelines, 2015. Collection method: clinical testing. Allele origin: unknown.

3billion
Classification: Pathogenic for Propionic acidemia. Last evaluated: 2022-05-22. Review status: criteria provided, single submitter. Criteria: ACMG Guidelines, 2015. Collection method: clinical testing. Allele origin: germline. Affected: yes. Observed: 1 heterozygote.
Comment: The variant is observed at an extremely low frequency in the gnomAD v2.1.1 dataset (total allele frequency: 0.002%). In silico tool predictions suggest damaging effect of the variant on gene or gene product (REVEL: 0.99; 3Cnet: 0.80). Same nucleotide change resulting in same amino acid change has been previously reported as pathogenic/likely pathogenic with strong evidence (ClinVar ID: VCV000554490). The variant has been observed in multiple (>3) similarly affected unrelated individuals (PMID:24863100). Therefore, this variant is classified as pathogenic according to the recommendation of ACMG/AMP guideline.

Counsyl
Classification: Likely pathogenic for Propionic acidemia. Last evaluated: 2017-10-26. Review status: no assertion criteria provided. Collection method: clinical testing. Allele origin: unknown. Not counted in ClinVar's aggregate classification.

Literature cited by the submitters: PubMed 24863100 (cited by 4 submitters); PubMed 30904546 (cited by Natera, Inc.); PubMed 37689673 (cited by Natera, Inc.).